The following is an entry in ClinVar:

NM_001105206.3(LAMA4):c.2826T>A (p.His942Gln)

Genes: LAMA4 (laminin subunit alpha 4; minus strand), LOC126859766 (MED14-independent group 3 enhancer GRCh37_chr6:112462018-112463217; plus strand). Cytogenetic location: 6q21.
Variant type: single nucleotide variant.
Coding change: c.2826T>A on transcript NM_001105206.3 (MANE Select); coding-DNA position 2826, T replaced by A.
Protein change: p.His942Gln; replaces histidine 942 with glutamine.
Molecular consequence: missense variant.
Genome position (GRCh38, 1-based): chr6:112,140,910, A>T on the plus strand (T>A on the coding strand, the complement: LAMA4 is on the minus strand). VCF-style: chr6-112140910-A-T. GRCh37 (hg19) VCF-style: chr6-112462112-A-T.
Other names: c.2805T>A, p.His935Gln (NM_001105207.3, NM_002290.5); short protein forms H935Q, H942Q.
Identifiers: ClinVar variation 2821443 (VCV002821443.3), dbSNP rs782118939, ClinGen allele CA3965374.

ClinVar aggregate classification (germline): Uncertain significance (1 of 4 stars; one submission).

Conditions:
Dilated cardiomyopathy 1JJ (CMD1JJ). Identifiers: Orphanet 154, MedGen C3808935, MONDO:0014095, OMIM 615235.

Allele frequency attached by ClinVar (database versions not stated): TOPMed below 0.00001; ExAC 0.00001.
gnomAD v4.1: 1 of 1,612,202 alleles (0.000062%); highest among the groups gnomAD compares: African/African-American, 0.0013%; no homozygotes.

Submission:

Labcorp Genetics (formerly Invitae), Labcorp
Classification: Uncertain significance for Dilated cardiomyopathy 1JJ. Last evaluated: 2022-12-16. Review status: criteria provided, single submitter. Criteria: Invitae Variant Classification Sherloc (09022015). Collection method: clinical testing. Allele origin: germline.
Comment: This sequence change replaces histidine, which is basic and polar, with glutamine, which is neutral and polar, at codon 935 of the LAMA4 protein (p.His935Gln). This variant is present in population databases (rs782118939, gnomAD 0.007%). This variant has not been reported in the literature in individuals affected with LAMA4-related conditions. Algorithms developed to predict the effect of missense changes on protein structure and function are either unavailable or do not agree on the potential impact of this missense change (SIFT: "Deleterious"; PolyPhen-2: "Probably Damaging"; Align-GVGD: "Class C15"). In summary, the available evidence is currently insufficient to determine the role of this variant in disease. Therefore, it has been classified as a Variant of Uncertain Significance.